The following is an entry in ClinVar:

NM_000719.7(CACNA1C):c.3766A>T (p.Met1256Leu)

Gene: CACNA1C (calcium voltage-gated channel subunit alpha1 C; plus strand). Cytogenetic location: 12p13.33.
Variant type: single nucleotide variant.
Coding change: c.3766A>T on transcript NM_000719.7 (MANE Select); coding-DNA position 3766, A replaced by T.
Protein change: p.Met1256Leu; replaces methionine 1256 with leucine.
Molecular consequence: missense variant.
Genome position (GRCh38, 1-based): chr12:2,611,951, A>T. VCF-style: chr12-2611951-A-T. GRCh37 (hg19) VCF-style: chr12-2721117-A-T.
Other names: c.3826A>T, p.Met1276Leu (NM_001129827.2, NM_001129832.2, NM_199460.4); c.3766A>T, p.Met1256Leu (NM_001129829.2, NM_001129830.3, NM_001129831.2 and 15 more transcripts); c.3757A>T, p.Met1253Leu (NM_001129844.2); short protein forms M1253L, M1256L, M1276L.
Identifiers: ClinVar variation 1720086 (VCV001720086.6), dbSNP rs2519065607, ClinGen allele CA383377248.
Genomic context (GRCh38, chr12:2,611,951, plus strand): 5'-CTCCTGATGCAGCACTACGGCCAGAGCTGCCTGTTCAAAATCGCCATGAACATCCTCAAC[A>T]TGCTCTTCACTGGCCTCTTCACCGTGGAGATGATCCTGAAGCTCATTGCCTTCAAACCCA-3'
Protein context (NP_000710.5, residues 1246-1266): LFKIAMNILN[Met1256Leu]LFTGLFTVEM

ClinVar aggregate classification (germline): Uncertain significance (1 of 4 stars; one submission).

Conditions:
Long QT syndrome (LQTS). Identifiers: MedGen C0023976, MeSH D008133, MONDO:0002442. Disease mechanism: loss of function. Inheritance: Various modes of inheritance.

Submission:

Labcorp Genetics (formerly Invitae), Labcorp
Classification: Uncertain significance for Long QT syndrome. Last evaluated: 2022-09-22. Review status: criteria provided, single submitter. Criteria: Invitae Variant Classification Sherloc (09022015). Collection method: clinical testing. Allele origin: germline.
Comment: This sequence change replaces methionine, which is neutral and non-polar, with leucine, which is neutral and non-polar, at codon 1256 of the CACNA1C protein (p.Met1256Leu). In summary, the available evidence is currently insufficient to determine the role of this variant in disease. Therefore, it has been classified as a Variant of Uncertain Significance. Advanced modeling of protein sequence and biophysical properties (such as structural, functional, and spatial information, amino acid conservation, physicochemical variation, residue mobility, and thermodynamic stability) performed at Invitae indicates that this missense variant is not expected to disrupt CACNA1C protein function. This variant has not been reported in the literature in individuals affected with CACNA1C-related conditions. This variant is not present in population databases (gnomAD no frequency).